The following is an entry in ClinVar:

ClinVar aggregate classification (germline): Uncertain significance (1 of 4 stars; one submission).

Conditions:
Hypertrophic cardiomyopathy 1 (CMH1). Also called: Familial hypertrophic cardiomyopathy 1; MYH7-Related Familial Hypertrophic Cardiomyopathy. Identifiers: MedGen C3495498, MONDO:0008647, OMIM 192600.

Submission:

3billion
Classification: Uncertain significance for Hypertrophic cardiomyopathy 1. Last evaluated: 2025-02-04. Review status: criteria provided, single submitter. Criteria: ACMG Guidelines, 2015. Collection method: clinical testing. Allele origin: germline. Affected: yes.
Comment: The variant is not observed in the gnomAD v4.1.0 dataset. Predicted Consequence/Location: Missense variant In silico tool predictions suggest damaging effect of the variant on gene or gene product [REVEL: 0.89 (>=0.6, sensitivity 0.68 and specificity 0.92); 3Cnet: 0.35 (>=0.6, sensitivity 0.72 and precision 0.9)]. The variant has been reported as of uncertain significance (ClinVar ID: VCV001526259). Different missense changes at the same codon have been reported as of uncertain significance (ClinVar ID: VCV000520290, VCV000042938). Therefore, this variant is classified as VUS according to the recommendation of ACMG/AMP guideline.

NM_000257.4(MYH7):c.2891T>A (p.Val964Glu)

Gene: MYH7 (myosin heavy chain 7; minus strand). Cytogenetic location: 14q11.2.
Variant type: single nucleotide variant.
Coding change: c.2891T>A on transcript NM_000257.4 (MANE Select); coding-DNA position 2891, T replaced by A.
Protein change: p.Val964Glu; replaces valine 964 with glutamic acid.
Molecular consequence: missense variant.
Genome position (GRCh38, 1-based): chr14:23,423,938, A>T on the plus strand (T>A on the coding strand, the complement: MYH7 is on the minus strand). VCF-style: chr14-23423938-A-T. GRCh37 (hg19) VCF-style: chr14-23893147-A-T.
Other names: short protein forms V964E.
Identifiers: ClinVar variation 1526259 (VCV001526259.2), dbSNP rs778517353, ClinGen allele CA389046687.